The following is an entry in ClinVar:

ClinVar aggregate classification (germline): Likely benign. Review status: criteria provided, multiple submitters, no conflicts (2 of 4 stars). 3 submissions from 3 submitters: Likely benign (2). 1 of the submissions does not count toward it. Last evaluated 2025-10-08.

Conditions:
MATR3-related disorder. Also called: MATR3-related condition.
Amyotrophic lateral sclerosis type 21. Also called: VOCAL CORD AND PHARYNGEAL DYSFUNCTION WITH DISTAL MYOPATHY; MYOPATHY, DISTAL, 2. Identifiers: Orphanet 600, Orphanet 803, MedGen C3807521, MONDO:0011632, OMIM 606070.

Allele frequency attached by ClinVar (database versions not stated): gnomAD 0.00001; gnomAD exomes 0.00002 and 0.00004; TOPMed 0.00002; ExAC 0.00003.
gnomAD v4.1: 25 of 1,614,024 alleles (0.0015%); highest among the groups gnomAD compares: Non-Finnish European, 0.002%; no homozygotes.

Submissions (3):

Labcorp Genetics (formerly Invitae), Labcorp
Classification: Likely benign for Amyotrophic lateral sclerosis type 21. Last evaluated: 2025-10-08. Review status: criteria provided, single submitter. Criteria: Invitae Variant Classification Sherloc (09022015). Collection method: clinical testing. Allele origin: germline.

Blueprint Genetics
Classification: Likely benign. Last evaluated: 2024-07-23. Review status: criteria provided, single submitter. Criteria: ACMG Guidelines, 2015. Collection method: clinical testing. Allele origin: germline.

PreventionGenetics, part of Exact Sciences
Classification: Likely benign for MATR3-related condition. Last evaluated: 2019-07-17. Review status: no assertion criteria provided. Collection method: clinical testing. Allele origin: germline. Not counted in ClinVar's aggregate classification.
Comment: This variant is classified as likely benign based on ACMG/AMP sequence variant interpretation guidelines (Richards et al. 2015 PMID: 25741868, with internal and published modifications).

NM_018834.6(MATR3):c.1938G>A (p.Gln646=)

Genes: MATR3 (matrin 3; plus strand), LOC126807526 (CDK7 strongly-dependent group 2 enhancer GRCh37_chr5:138657767-138658966; plus strand). Cytogenetic location: 5q31.2.
Variant type: single nucleotide variant.
Coding change: c.1938G>A on transcript NM_018834.6 (MANE Select); coding-DNA position 1938, G replaced by A.
Protein change: p.Gln646=; no amino-acid change (glutamine 646 retained).
Molecular consequence: synonymous variant.
Genome position (GRCh38, 1-based): chr5:139,322,757, G>A. VCF-style: chr5-139322757-G-A. GRCh37 (hg19) VCF-style: chr5-138658446-G-A.
Other names: c.1938G>A, p.Gln646= (NM_001194954.2, NM_001194955.2, NM_199189.3); c.1074G>A, p.Gln358= (NM_001194956.2); c.924G>A, p.Gln308= (NM_001282278.2).
Identifiers: ClinVar variation 727043 (VCV000727043.14), dbSNP rs755732018, ClinGen allele CA3433276.